The following is an entry in ClinVar:

ClinVar aggregate classification (germline): Benign/Likely benign. Review status: criteria provided, multiple submitters, no conflicts (2 of 4 stars). 3 submissions from 3 submitters: Benign (1); Likely benign (1). 1 of the submissions does not count toward it. Last evaluated 2025-10-31.

Conditions:
KSR2-related disorder. Also called: KSR2-related condition.

Allele frequency attached by ClinVar (database versions not stated): gnomAD exomes 0.00021 and 0.00056; ExAC 0.00087; ESP Exome Variant Server 0.00174; gnomAD 0.00210 and 0.00222; TOPMed 0.00235; 1000 Genomes Project 0.00300; 1000 Genomes Project 30x 0.00359.
gnomAD v4.1: 624 of 1,577,606 alleles (0.04%); highest among the groups gnomAD compares: African/African-American, 0.72%; 2 homozygotes.

Submissions (3):

Labcorp Genetics (formerly Invitae), Labcorp
Classification: Benign. Last evaluated: 2025-10-31. Review status: criteria provided, single submitter. Criteria: Invitae Variant Classification Sherloc (09022015). Collection method: clinical testing. Allele origin: germline.

Blueprint Genetics
Classification: Likely benign. Last evaluated: 2024-06-05. Review status: criteria provided, single submitter. Criteria: ACMG Guidelines, 2015. Collection method: clinical testing. Allele origin: germline.

PreventionGenetics, part of Exact Sciences
Classification: Benign for KSR2-related condition. Last evaluated: 2021-01-22. Review status: no assertion criteria provided. Collection method: clinical testing. Allele origin: germline. Not counted in ClinVar's aggregate classification.
Comment: This variant is classified as benign based on ACMG/AMP sequence variant interpretation guidelines (Richards et al. 2015 PMID: 25741868, with internal and published modifications).

NM_173598.6(KSR2):c.1852-9C>T

Gene: KSR2 (kinase suppressor of ras 2; minus strand). Cytogenetic location: 12q24.22.
Variant type: single nucleotide variant.
Coding change: c.1852-9C>T on transcript NM_173598.6 (MANE Select); 9 bases into the intron before coding-DNA position 1852, C replaced by T.
Genome position (GRCh38, 1-based): chr12:117,525,228, G>A on the plus strand (C>T on the coding strand, the complement: KSR2 is on the minus strand). VCF-style: chr12-117525228-G-A. GRCh37 (hg19) VCF-style: chr12-117963033-G-A.
Identifiers: ClinVar variation 730600 (VCV000730600.11), dbSNP rs147858305, ClinGen allele CA6815860.